The following is an entry in ClinVar:

NM_000264.5(PTCH1):c.1955A>G (p.His652Arg)

Genes: PTCH1 (patched 1; minus strand), LOC100507346 (uncharacterized LOC100507346; plus strand). Cytogenetic location: 9q22.32.
Variant type: single nucleotide variant.
Coding change: c.1955A>G on transcript NM_000264.5 (MANE Select); coding-DNA position 1955, A replaced by G.
Protein change: p.His652Arg; replaces histidine 652 with arginine.
Molecular consequence: missense variant. On other transcripts: non-coding transcript variant (2).
Genome position (GRCh38, 1-based): chr9:95,469,046, T>C on the plus strand (A>G on the coding strand, the complement: PTCH1 is on the minus strand). VCF-style: chr9-95469046-T-C. GRCh37 (hg19) VCF-style: chr9-98231328-T-C.
Other names: c.1757A>G, p.His586Arg (NM_001083602.3); c.1952A>G, p.His651Arg (NM_001083603.3); c.1502A>G, p.His501Arg (NM_001083604.3, NM_001083605.3, NM_001083606.3 and 1 more transcripts); c.1799A>G, p.His600Arg (NM_001354918.2); short protein forms H501R, H586R, H652R, H600R, H651R.
Identifiers: ClinVar variation 820407 (VCV000820407.16), dbSNP rs1420640611, ClinGen allele CA374115967.

ClinVar aggregate classification (germline): Conflicting classifications of pathogenicity. Review status: criteria provided, conflicting classifications (1 of 4 stars). 3 submissions from 3 submitters: Uncertain significance (2); Benign (1). Last evaluated 2025-12-12.

Conditions:
Gorlin syndrome. Also called: Nevoid Basal Cell Carcinoma Syndrome; Basal cell nevus syndrome. Identifiers: Orphanet 377, MedGen C0004779, MONDO:0007187.
Hereditary cancer-predisposing syndrome. Also called: Hereditary Cancer Syndrome; Neoplastic Syndromes, Hereditary; Hereditary neoplastic syndrome; Tumor predisposition. Identifiers: Orphanet 140162, MedGen C0027672, MeSH D009386, MONDO:0015356.

Allele frequency attached by ClinVar (database versions not stated): gnomAD 0.00001; gnomAD exomes 0.00001 and 0.00002; TOPMed 0.00001.
gnomAD v4.1: 26 of 1,613,772 alleles (0.0016%); highest among the groups gnomAD compares: Middle Eastern, 0.033%; 1 homozygote.

Submissions (3):

Ambry Genetics
Classification: Uncertain significance for Hereditary cancer-predisposing syndrome. Last evaluated: 2025-12-12. Review status: criteria provided, single submitter. Criteria: Ambry Variant Classification Scheme 2023. Collection method: clinical testing. Allele origin: germline.
Comment: The p.H652R variant (also known as c.1955A>G), located in coding exon 14 of the PTCH1 gene, results from an A to G substitution at nucleotide position 1955. The histidine at codon 652 is replaced by arginine, an amino acid with highly similar properties. This amino acid position is well conserved in available vertebrate species. In addition, this alteration is predicted to be tolerated by in silico analysis. Since supporting evidence is limited at this time, the clinical significance of this alteration remains unclear.

Labcorp Genetics (formerly Invitae), Labcorp
Classification: Benign for Gorlin syndrome. Last evaluated: 2025-04-02. Review status: criteria provided, single submitter. Criteria: Invitae Variant Classification Sherloc (09022015). Collection method: clinical testing. Allele origin: germline.

GeneDx
Classification: Uncertain significance. Last evaluated: 2024-08-01. Review status: criteria provided, single submitter. Criteria: GeneDx Variant Classification Process June 2021. Collection method: clinical testing. Allele origin: germline. Affected: yes.
Comment: In silico analysis indicates that this missense variant does not alter protein structure/function; Has not been previously published as pathogenic or benign to our knowledge; This variant is associated with the following publications: (PMID: 11331587)